The following is an entry in ClinVar:

ClinVar aggregate classification (germline): Uncertain significance. Review status: criteria provided, multiple submitters, no conflicts (2 of 4 stars). 2 submissions from 2 submitters: Uncertain significance (2). Last evaluated 2023-03-14.

Submissions (2):

Ambry Genetics
Classification: Uncertain significance. Last evaluated: 2023-03-14. Review status: criteria provided, single submitter. Criteria: Ambry Variant Classification Scheme 2023. Collection method: clinical testing. Allele origin: germline.

Labcorp Genetics (formerly Invitae), Labcorp
Classification: Uncertain significance. Last evaluated: 2022-06-26. Review status: criteria provided, single submitter. Criteria: Invitae Variant Classification Sherloc (09022015). Collection method: clinical testing. Allele origin: germline.
Comment: In summary, the available evidence is currently insufficient to determine the role of this variant in disease. Therefore, it has been classified as a Variant of Uncertain Significance. Algorithms developed to predict the effect of missense changes on protein structure and function are either unavailable or do not agree on the potential impact of this missense change (SIFT: "Deleterious"; PolyPhen-2: "Possibly Damaging"; Align-GVGD: "Class C0"). This variant has not been reported in the literature in individuals affected with NEXMIF-related conditions. This variant is not present in population databases (gnomAD no frequency). This sequence change replaces methionine, which is neutral and non-polar, with leucine, which is neutral and non-polar, at codon 1140 of the NEXMIF protein (p.Met1140Leu).

NM_001008537.3(NEXMIF):c.3418A>T (p.Met1140Leu)

Gene: NEXMIF (neurite extension and migration factor; minus strand). Cytogenetic location: Xq13.3.
Variant type: single nucleotide variant.
Coding change: c.3418A>T on transcript NM_001008537.3 (MANE Select); coding-DNA position 3418, A replaced by T.
Protein change: p.Met1140Leu; replaces methionine 1140 with leucine.
Molecular consequence: missense variant.
Genome position (GRCh38, 1-based): chrX:74,741,139, T>A on the plus strand (A>T on the coding strand, the complement: NEXMIF is on the minus strand). VCF-style: chrX-74741139-T-A. GRCh37 (hg19) VCF-style: chrX-73960974-T-A.
Other names: c.3418A>T (NM_001008537.2); short protein forms M1140L.
Identifiers: ClinVar variation 1935841 (VCV001935841.7), dbSNP rs2519912279, ClinGen allele CA413665991.